The following is an entry in ClinVar:

ClinVar aggregate classification (germline): Likely pathogenic (1 of 4 stars; one submission).

Conditions:
Primary ciliary dyskinesia. Also called: Ciliary dyskinesia. Identifiers: Orphanet 244, MedGen C0008780, MONDO:0016575, HP:0012265.

Submission:

Department of Human Genetics, Hannover Medical School
Classification: Likely pathogenic for Primary Ciliary Dyskinesia. Last evaluated: 2026-04-01. Review status: criteria provided, single submitter. Criteria: ACMG Guidelines, 2015. Collection method: research. Allele origin: germline. Affected: no.
Comment: Classification performed by HerediClassify using the following criteria:['PM2_supporting: Variant occures does not occur as homozygous in gnomAD.', 'PVS1_protein_very_strong: Transcript ENST00000357060 is predicted to undergo NMD.']

NM_025145.7(CFAP43):c.1560del (p.Asp520fs)

Gene: CFAP43 (cilia and flagella associated protein 43; minus strand). Cytogenetic location: 10q25.1.
Variant type: Deletion.
Coding change: c.1560del on transcript NM_025145.7 (MANE Select); coding-DNA position 1560, one base deleted (C; older notation c.1560delC).
Protein change: p.Asp520fs; shifts the reading frame from aspartic acid 520.
Molecular consequence: frameshift variant.
Genome position (GRCh38, 1-based): chr10:104,188,397, G deleted on the plus strand (C on the coding strand, the reverse complement: CFAP43 is on the minus strand). VCF-style (leftmost placement, unchanged base first): chr10-104188396-TG-T. GRCh37 (hg19) VCF-style: chr10-105948154-TG-T.
Other names: short protein forms D520fs.
Identifiers: ClinVar variation 4880154 (VCV004880154.1).
Genomic context (GRCh38, chr10:104,188,396, plus strand): 5'-AAAGCACCATCACTTCCACTATGTCTGTTTCTAAAAGAGACACTGTGGATATCTGTAAAA[TG>T]TCTTTGGCCACCTCTGAAAGCAAACAGAGATCAACACCACAAGTGGTCATTGATAAGTTT-3'